The following is an entry in ClinVar:

NM_001379291.1(BRD4):c.2047+3G>A

Gene: BRD4 (bromodomain containing 4; minus strand). Cytogenetic location: 19p13.12.
Variant type: single nucleotide variant.
Coding change: c.2047+3G>A on transcript NM_001379291.1 (MANE Select); 3 bases into the intron after coding-DNA position 2047, G replaced by A.
Molecular consequence: intron variant.
Genome position (GRCh38, 1-based): chr19:15,255,294, C>T on the plus strand (G>A on the coding strand, the complement: BRD4 is on the minus strand). VCF-style: chr19-15255294-C-T. GRCh37 (hg19) VCF-style: chr19-15366105-C-T.
Other names: c.2047+3G>A (NM_058243.3, NM_001379292.1, NM_014299.3 and 1 more transcripts).
Identifiers: ClinVar variation 1975034 (VCV001975034.5), dbSNP rs2512555724, ClinGen allele CA2580096658.

ClinVar aggregate classification (germline): Uncertain significance (1 of 4 stars; one submission).

Submission:

Labcorp Genetics (formerly Invitae), Labcorp
Classification: Uncertain significance. Last evaluated: 2023-08-24. Review status: criteria provided, single submitter. Criteria: Invitae Variant Classification Sherloc (09022015). Collection method: clinical testing. Allele origin: germline.
Comment: In summary, the available evidence is currently insufficient to determine the role of this variant in disease. Therefore, it has been classified as a Variant of Uncertain Significance. Variants that disrupt the consensus splice site are a relatively common cause of aberrant splicing (PMID: 17576681, 9536098). Algorithms developed to predict the effect of sequence changes on RNA splicing suggest that this variant may disrupt the consensus splice site. ClinVar contains an entry for this variant (Variation ID: 1975034). This sequence change falls in intron 10 of the BRD4 gene. It does not directly change the encoded amino acid sequence of the BRD4 protein. It affects a nucleotide within the consensus splice site. This variant is not present in population databases (gnomAD no frequency). This variant has not been reported in the literature in individuals affected with BRD4-related conditions.

Literature cited by the submitters: PubMed 17576681; PubMed 9536098.